The following is an entry in ClinVar:

NM_017491.5(WDR1):c.558+58C>T

Gene: WDR1 (WD repeat domain 1; minus strand). Cytogenetic location: 4p16.1.
Variant type: single nucleotide variant.
Coding change: c.558+58C>T on transcript NM_017491.5 (MANE Select); 58 bases into the intron after coding-DNA position 558, C replaced by T.
Molecular consequence: intron variant.
Genome position (GRCh38, 1-based): chr4:10,097,653, G>A on the plus strand (C>T on the coding strand, the complement: WDR1 is on the minus strand). VCF-style: chr4-10097653-G-A. GRCh37 (hg19) VCF-style: chr4-10099277-G-A.
Other names: c.139-8912C>T (NM_005112.5).
Identifiers: ClinVar variation 2688288 (VCV002688288.2), dbSNP rs41268389, ClinGen allele CA11771877.

ClinVar aggregate classification (germline): Benign (1 of 4 stars; one submission).

Allele frequency attached by ClinVar (database versions not stated): 1000 Genomes Project 30x 0.12742; gnomAD exomes 0.20602; 1000 Genomes Project 0.12800; TOPMed 0.16232; gnomAD 0.16308.
gnomAD v4.1: 312,844 of 1,548,574 alleles (20%); highest among the groups gnomAD compares: Middle Eastern, 25%; 33,583 homozygotes.

Submission:

Unidad de Genómica Garrahan, Hospital de Pediatría Garrahan
Classification: Benign. Last evaluated: 2024-01-24. Review status: criteria provided, single submitter. Criteria: ACMG Guidelines, 2015. Collection method: clinical testing. Allele origin: germline. Affected: no. Observed: 25 variant alleles.
Comment: This variant is classified as Benign based on local population frequency. This variant was detected in 26% of patients studied by a panel of primary immunodeficiencies. Number of patients: 25. Only high quality variants are reported.